The following is an entry in ClinVar:

NM_001184.4(ATR):c.2317A>G (p.Lys773Glu)

Gene: ATR (ATR serine/threonine kinase; minus strand). Cytogenetic location: 3q23.
Variant type: single nucleotide variant.
Coding change: c.2317A>G on transcript NM_001184.4 (MANE Select); coding-DNA position 2317, A replaced by G.
Protein change: p.Lys773Glu; replaces lysine 773 with glutamic acid.
Molecular consequence: missense variant.
Genome position (GRCh38, 1-based): chr3:142,555,901, T>C on the plus strand (A>G on the coding strand, the complement: ATR is on the minus strand). VCF-style: chr3-142555901-T-C. GRCh37 (hg19) VCF-style: chr3-142274743-T-C.
Other names: c.2125A>G, p.Lys709Glu (NM_001354579.2); short protein forms K709E, K773E.
Identifiers: ClinVar variation 1001021 (VCV001001021.4), dbSNP rs2034651568, ClinGen allele CA354818388.

ClinVar aggregate classification (germline): Uncertain significance (1 of 4 stars; one submission).

Submission:

Labcorp Genetics (formerly Invitae), Labcorp
Classification: Uncertain significance. Last evaluated: 2023-08-10. Review status: criteria provided, single submitter. Criteria: Invitae Variant Classification Sherloc (09022015). Collection method: clinical testing. Allele origin: germline.
Comment: This sequence change replaces lysine, which is basic and polar, with glutamic acid, which is acidic and polar, at codon 773 of the ATR protein (p.Lys773Glu). In summary, the available evidence is currently insufficient to determine the role of this variant in disease. Therefore, it has been classified as a Variant of Uncertain Significance. Algorithms developed to predict the effect of missense changes on protein structure and function output the following: SIFT: "Not Available"; PolyPhen-2: "Benign"; Align-GVGD: "Not Available". The glutamic acid amino acid residue is found in multiple mammalian species, which suggests that this missense change does not adversely affect protein function. ClinVar contains an entry for this variant (Variation ID: 1001021). This variant has not been reported in the literature in individuals affected with ATR-related conditions. This variant is not present in population databases (gnomAD no frequency).